The following is an entry in ClinVar:

NM_000275.3(OCA2):c.1054A>G (p.Arg352Gly)

Gene: OCA2 (OCA2 melanosomal transmembrane protein; minus strand). Cytogenetic location: 15q13.1.
Variant type: single nucleotide variant.
Coding change: c.1054A>G on transcript NM_000275.3 (MANE Select); coding-DNA position 1054, A replaced by G.
Protein change: p.Arg352Gly; replaces arginine 352 with glycine.
Molecular consequence: missense variant. On other transcripts: intron variant (1).
Genome position (GRCh38, 1-based): chr15:27,990,638, T>C on the plus strand (A>G on the coding strand, the complement: OCA2 is on the minus strand). VCF-style: chr15-27990638-T-C. GRCh37 (hg19) VCF-style: chr15-28235784-T-C.
Other names: c.1045-972A>G (NM_001300984.2); short protein forms R352G.
Identifiers: ClinVar variation 3382884 (VCV003382884.3).
Genomic context (GRCh38, chr15:27,990,638, plus strand): 5'-CGCCAATCACAGCCAGTGCTGCCAGTGCTGCAAGGGAACCCAGCATGGCCGCCAGAGTTC[T>C]GTGCACGATCTGGAAAGAAGCACAGGAAATTACCGCGTTCCAGTGCACGAGGGAGTTAGC-3'
Protein context (NP_000266.2, residues 342-362): YALIIFEIVH[Arg352Gly]TLAAMLGSLA

ClinVar aggregate classification (germline): Uncertain significance. Review status: criteria provided, multiple submitters, no conflicts (2 of 4 stars). 2 submissions from 2 submitters: Uncertain significance (2). Last evaluated 2025-09-24.

Conditions:
Tyrosinase-positive oculocutaneous albinism (OCA2). Also called: Albinism, oculocutaneous, type II; ALBINISM II; Oculocutaneous albinism type 2. Identifiers: Orphanet 79432, MedGen C0268495, MONDO:0008746, OMIM 203200.
SKIN/HAIR/EYE PIGMENTATION 1, BLUE/NONBLUE EYES (SHEP1). Also called: BROWN EYE COLOR 2; EYE COLOR 3; EYE COLOR, BLUE/NONBLUE; EYE COLOR, BROWN/BLUE; HAIR COLOR 3; SKIN/HAIR/EYE PIGMENTATION 1, BLOND/BROWN HAIR. Identifiers: MedGen C1856895, OMIM 227220.

Submissions (2):

Myriad Genetics, Inc.
Classification: Uncertain significance for Tyrosinase-positive oculocutaneous albinism. Last evaluated: 2025-09-24. Review status: criteria provided, single submitter. Criteria: Myriad Autosomal Dominant, Autosomal Recessive and X-Linked Classification Criteria (2023). Collection method: clinical testing. Allele origin: unknown.
Comment: NM_000275.2(OCA2):c.1054A>G(R352G) is a missense variant classified as a variant of uncertain significance in the context of oculocutaneous albinism, OCA2-related. R352G has been observed in cases with relevant disease (PMID: 34838614, 33124154). Relevant functional assessments of this variant are not available in the literature. R352G has not been observed in referenced population frequency databases. In summary, there is insufficient evidence to classify NM_000275.2(OCA2):c.1054A>G(R352G) as pathogenic or benign. Please note: this variant was assessed in the context of healthy population screening.

Juno Genomics, Hangzhou Juno Genomics, Inc
Classification: Uncertain significance for Tyrosinase-positive oculocutaneous albinism; SKIN/HAIR/EYE PIGMENTATION 1, BLUE/NONBLUE EYES. Review status: criteria provided, single submitter. Criteria: ACMG Guidelines, 2015. Collection method: clinical testing. Allele origin: germline. Affected: yes.
Comment: Absent from controls (or at extremely low frequency if recessive) in Genome Aggregation Database, Exome Sequencing Project, 1000 Genomes Project, or Exome Aggregation Consortium.;For recessive disorders, detected in trans with a pathogenic variant.;Multiple lines of computational evidence support a deleterious effect on the gene or gene product (conservation, evolutionary, splicing impact, etc).;Patient's phenotype or family history is highly specific for a disease with a single genetic etiology.

Literature cited by the submitters: PubMed 33124154 (cited by Myriad Genetics, Inc.); PubMed 34838614 (cited by Myriad Genetics, Inc.).